The following is an entry in ClinVar:

NM_205834.4(LSR):c.2T>A (p.Met1Lys)

Gene: LSR (lipolysis stimulated lipoprotein receptor; plus strand). Cytogenetic location: 19q13.12.
Variant type: single nucleotide variant.
Coding change: c.2T>A on transcript NM_205834.4 (MANE Select); coding-DNA position 2, T replaced by A.
Protein change: p.Met1Lys; changes the start codon (methionine 1).
Molecular consequence: missense variant, initiator codon variant.
Genome position (GRCh38, 1-based): chr19:35,249,024, T>A. VCF-style: chr19-35249024-T-A. GRCh37 (hg19) VCF-style: chr19-35739927-T-A.
Other names: c.2T>A, p.Met1Lys (NM_001260489.2, NM_001260490.2, NM_001385215.1 and 2 more transcripts); short protein forms M1K.
Identifiers: ClinVar variation 4990320 (VCV004990320.1).
Genomic context (GRCh38, chr19:35,249,024, plus strand): 5'-CGCGCCCCCTAAGGTACTTTGGAAGGGACGCGCGGGCCAGACGCGCCCAGACGGCCGCGA[T>A]GGCGCTGTTGGCCGGCGGGCTCTCCAGAGGGCTGGGCTCCCACCCGGCCGCCGCAGGCCG-3'
Protein context (NP_991403.2, residues 1-11): [Met1Lys]ALLAGGLSRG

ClinVar aggregate classification (germline): Uncertain significance (1 of 4 stars; one submission).

Conditions:
LSR-related condition.

Submission:

PreventionGenetics, part of Exact Sciences
Classification: Uncertain significance for LSR-related condition. Last evaluated: 2026-04-12. Review status: criteria provided, single submitter. Criteria: ACMG Guidelines, 2015. Collection method: clinical testing. Allele origin: germline.
Comment: The LSR c.146T>A variant is predicted to result in the amino acid substitution p.Met49Lys. To our knowledge, this variant has not been reported in the literature. This variant is reported in 0.0082% of alleles in individuals of European (Non-Finnish) descent in gnomAD. At this time, the clinical significance of this variant is uncertain due to the absence of conclusive functional and genetic evidence.